The following is an entry in ClinVar:

NM_001142800.2(EYS):c.7347G>A (p.Gln2449=)

Gene: EYS (EGF-like photoreceptor maintenance factor; minus strand). Cytogenetic location: 6q12.
Variant type: single nucleotide variant.
Coding change: c.7347G>A on transcript NM_001142800.2 (MANE Select); coding-DNA position 7347, G replaced by A.
Protein change: p.Gln2449=; no amino-acid change (glutamine 2449 retained).
Molecular consequence: synonymous variant.
Genome position (GRCh38, 1-based): chr6:63,806,254, C>T on the plus strand (G>A on the coding strand, the complement: EYS is on the minus strand). VCF-style: chr6-63806254-C-T. GRCh37 (hg19) VCF-style: chr6-64516147-C-T.
Other names: c.7347G>A (NM_001142800.1); c.7347G>A, p.Gln2449= (NM_001292009.2).
Identifiers: ClinVar variation 1111633 (VCV001111633.10), dbSNP rs1770906194, ClinGen allele CA450749290.

ClinVar aggregate classification (germline): Likely benign. Review status: criteria provided, multiple submitters, no conflicts (2 of 4 stars). 2 submissions from 2 submitters: Likely benign (2). Last evaluated 2025-09-05.

Conditions:
EYS-related disorder. Also called: EYS-related condition.

Allele frequency attached by ClinVar (database versions not stated): gnomAD 0.00001; TOPMed 0.00001.
gnomAD v4.1: 2 of 1,551,494 alleles (0.00013%); highest among the groups gnomAD compares: African/African-American, 0.0014%; no homozygotes.

Submissions (2):

PreventionGenetics, part of Exact Sciences
Classification: Likely benign for EYS-related condition. Last evaluated: 2025-09-05. Review status: criteria provided, single submitter. Criteria: ACMG Guidelines, 2015. Collection method: clinical testing. Allele origin: germline.
Comment: This variant is classified as likely benign based on ACMG/AMP sequence variant interpretation guidelines (Richards et al. 2015 PMID: 25741868, with internal and published modifications).

Labcorp Genetics (formerly Invitae), Labcorp
Classification: Likely benign. Last evaluated: 2023-11-10. Review status: criteria provided, single submitter. Criteria: Invitae Variant Classification Sherloc (09022015). Collection method: clinical testing. Allele origin: germline.